The following is an entry in ClinVar:

ClinVar aggregate classification (germline): Uncertain significance (1 of 4 stars; one submission).

Conditions:
Ehlers-Danlos syndrome, musculocontractural type 2 (EDSMC2). Identifiers: Orphanet 2953, MedGen C3809845, MONDO:0014236, OMIM 615539.

Submission:

Labcorp Genetics (formerly Invitae), Labcorp
Classification: Uncertain significance for Ehlers-Danlos syndrome, musculocontractural type 2. Last evaluated: 2022-08-20. Review status: criteria provided, single submitter. Criteria: Invitae Variant Classification Sherloc (09022015). Collection method: clinical testing. Allele origin: germline.
Comment: This variant is not present in population databases (gnomAD no frequency). This variant has not been reported in the literature in individuals affected with DSE-related conditions. Algorithms developed to predict the effect of missense changes on protein structure and function are either unavailable or do not agree on the potential impact of this missense change (SIFT: "Not Available"; PolyPhen-2: "Probably Damaging"; Align-GVGD: "Not Available"). In summary, the available evidence is currently insufficient to determine the role of this variant in disease. Therefore, it has been classified as a Variant of Uncertain Significance. This sequence change replaces leucine, which is neutral and non-polar, with valine, which is neutral and non-polar, at codon 415 of the DSE protein (p.Leu415Val).

NM_013352.4(DSE):c.1243C>G (p.Leu415Val)

Gene: DSE (dermatan sulfate epimerase; plus strand). Cytogenetic location: 6q22.1.
Variant type: single nucleotide variant.
Coding change: c.1243C>G on transcript NM_013352.4 (MANE Select); coding-DNA position 1243, C replaced by G.
Protein change: p.Leu415Val; replaces leucine 415 with valine.
Molecular consequence: missense variant. On other transcripts: 3 prime UTR variant (2), non-coding transcript variant (1).
Genome position (GRCh38, 1-based): chr6:116,435,711, C>G. VCF-style: chr6-116435711-C-G. GRCh37 (hg19) VCF-style: chr6-116756874-C-G.
Other names: c.1243C>G, p.Leu415Val (NM_001080976.3, NM_001322937.2, NM_001322938.2); c.1300C>G, p.Leu434Val (NM_001322939.2); c.682C>G, p.Leu228Val (NM_001322940.2, NM_001322941.2); c.*108C>G (NM_001322943.2, NM_001322944.2); c.244C>G, p.Leu82Val (NM_001374520.1); c.208C>G, p.Leu70Val (NM_001374521.1); short protein forms L228V, L415V, L434V, L70V, L82V.
Identifiers: ClinVar variation 1717117 (VCV001717117.5), dbSNP rs754327250, ClinGen allele CA365398313.
Genomic context (GRCh38, chr6:116,435,711, plus strand): 5'-GAAGACTGGGGTGTCGTGACTTATGGAAGTGCACTACCTGCAGAAATCAATAGATCTTTC[C>G]TTTCCTTCAAGTCTGGAAAACTGGGGGGACGTGCAATATATGACATTGTCCACAGAAACA-3'
Protein context (NP_037484.1, residues 405-425): ALPAEINRSF[Leu415Val]SFKSGKLGGR